The following is an entry in ClinVar:

NM_001845.6(COL4A1):c.4801C>G (p.Pro1601Ala)

Gene: COL4A1 (collagen type IV alpha 1 chain; minus strand). Cytogenetic location: 13q34.
Variant type: single nucleotide variant.
Coding change: c.4801C>G on transcript NM_001845.6 (MANE Select); coding-DNA position 4801, C replaced by G.
Protein change: p.Pro1601Ala; replaces proline 1601 with alanine.
Molecular consequence: missense variant.
Genome position (GRCh38, 1-based): chr13:110,152,461, G>C on the plus strand (C>G on the coding strand, the complement: COL4A1 is on the minus strand). VCF-style: chr13-110152461-G-C. GRCh37 (hg19) VCF-style: chr13-110804808-G-C.
Other names: short protein forms P1601A.
Identifiers: ClinVar variation 1378216 (VCV001378216.6), dbSNP rs1174157767, ClinGen allele CA388654605.

ClinVar aggregate classification (germline): Uncertain significance (1 of 4 stars; one submission).

Allele frequency attached by ClinVar (database versions not stated): gnomAD exomes below 0.00001.
gnomAD v4.1: 1 of 1,613,924 alleles (0.000062%); highest among the groups gnomAD compares: South Asian, 0.0011%; no homozygotes.

Submission:

Labcorp Genetics (formerly Invitae), Labcorp
Classification: Uncertain significance. Last evaluated: 2023-08-30. Review status: criteria provided, single submitter. Criteria: Invitae Variant Classification Sherloc (09022015). Collection method: clinical testing. Allele origin: germline.
Comment: Experimental studies and prediction algorithms are not available or were not evaluated, and the functional significance of this variant is currently unknown. In summary, the available evidence is currently insufficient to determine the role of this variant in disease. Therefore, it has been classified as a Variant of Uncertain Significance. ClinVar contains an entry for this variant (Variation ID: 1378216). This variant has not been reported in the literature in individuals affected with COL4A1-related conditions. This variant is present in population databases (no rsID available, gnomAD 0.003%). This sequence change replaces proline, which is neutral and non-polar, with alanine, which is neutral and non-polar, at codon 1601 of the COL4A1 protein (p.Pro1601Ala).